The following is an entry in ClinVar:

NM_000094.4(COL7A1):c.2437G>A (p.Glu813Lys)

Gene: COL7A1 (collagen type VII alpha 1 chain; minus strand). Cytogenetic location: 3p21.31.
Variant type: single nucleotide variant.
Coding change: c.2437G>A on transcript NM_000094.4 (MANE Select); coding-DNA position 2437, G replaced by A.
Protein change: p.Glu813Lys; replaces glutamic acid 813 with lysine.
Molecular consequence: missense variant.
Genome position (GRCh38, 1-based): chr3:48,588,873, C>T on the plus strand (G>A on the coding strand, the complement: COL7A1 is on the minus strand). VCF-style: chr3-48588873-C-T. GRCh37 (hg19) VCF-style: chr3-48626306-C-T.
Other names: short protein forms E813K.
Identifiers: ClinVar variation 2138368 (VCV002138368.6), dbSNP rs141649838, ClinGen allele CA2380896.

ClinVar aggregate classification (germline): Conflicting classifications of pathogenicity. Review status: criteria provided, conflicting classifications (1 of 4 stars). 3 submissions from 3 submitters: Uncertain significance (2); Likely benign (1). Last evaluated 2026-02-02.

Conditions:
Inborn genetic diseases. Identifiers: MedGen C0950123, MeSH D030342.
COL7A1-related disorder. Also called: COL7A1- related disorders; COL7A1-related condition.

Allele frequency attached by ClinVar (database versions not stated): ExAC 0.00006; TOPMed 0.00006; gnomAD exomes 0.00007; ESP Exome Variant Server 0.00008; gnomAD 0.00008.
gnomAD v4.1: 114 of 1,613,526 alleles (0.0071%); highest among the groups gnomAD compares: Non-Finnish European, 0.0092%; no homozygotes.

Submissions (3):

Labcorp Genetics (formerly Invitae), Labcorp
Classification: Likely benign. Last evaluated: 2026-02-02. Review status: criteria provided, single submitter. Criteria: Invitae Variant Classification Sherloc (09022015). Collection method: clinical testing. Allele origin: germline.

PreventionGenetics, part of Exact Sciences
Classification: Uncertain significance for COL7A1-related condition. Last evaluated: 2025-02-17. Review status: criteria provided, single submitter. Criteria: ACMG Guidelines, 2015. Collection method: clinical testing. Allele origin: germline.
Comment: The COL7A1 c.2437G>A variant is predicted to result in the amino acid substitution p.Glu813Lys. To our knowledge, this variant has not been reported in the literature. This variant is reported in 0.016% of alleles in individuals of European (Non-Finnish) descent in gnomAD. At this time, the clinical significance of this variant is uncertain due to the absence of conclusive functional and genetic evidence.

Ambry Genetics
Classification: Uncertain significance for Inborn genetic diseases. Last evaluated: 2022-02-17. Review status: criteria provided, single submitter. Criteria: Ambry Variant Classification Scheme 2023. Collection method: clinical testing. Allele origin: germline.